The following is an entry in ClinVar:

NM_000051.4(ATM):c.1814A>C (p.His605Pro)

Gene: ATM (ATM serine/threonine kinase; plus strand). Cytogenetic location: 11q22.3.
Variant type: single nucleotide variant.
Coding change: c.1814A>C on transcript NM_000051.4 (MANE Select); coding-DNA position 1814, A replaced by C.
Protein change: p.His605Pro; replaces histidine 605 with proline.
Molecular consequence: missense variant.
Genome position (GRCh38, 1-based): chr11:108,252,828, A>C. VCF-style: chr11-108252828-A-C. GRCh37 (hg19) VCF-style: chr11-108123555-A-C.
Other names: c.1814A>C, p.His605Pro (NM_001351834.2); short protein forms H605P.
Identifiers: ClinVar variation 1361745 (VCV001361745.8), dbSNP rs771877351, ClinGen allele CA382535726.

ClinVar aggregate classification (germline): Uncertain significance (1 of 4 stars; one submission).

Conditions:
Ataxia-telangiectasia syndrome (AT). Also called: ATAXIA-TELANGIECTASIA, COMPLEMENTATION GROUP A; ATAXIA-TELANGIECTASIA, FRESNO VARIANT; Ataxia-telangiectasia; Ataxia-telangiectasia, complementation group D; Ataxia-telangiectasia, complementation group E; Ataxia telangiectasia (A-T). Identifiers: Orphanet 100, MedGen C0004135, MONDO:0008840, OMIM 208900.

Submission:

Labcorp Genetics (formerly Invitae), Labcorp
Classification: Uncertain significance for Ataxia-telangiectasia syndrome. Last evaluated: 2021-06-16. Review status: criteria provided, single submitter. Criteria: Invitae Variant Classification Sherloc (09022015). Collection method: clinical testing. Allele origin: germline.
Comment: In summary, the available evidence is currently insufficient to determine the role of this variant in disease. Therefore, it has been classified as a Variant of Uncertain Significance. Advanced modeling of protein sequence and biophysical properties (such as structural, functional, and spatial information, amino acid conservation, physicochemical variation, residue mobility, and thermodynamic stability) performed at Invitae indicates that this missense variant is not expected to disrupt ATM protein function. This variant has not been reported in the literature in individuals with ATM-related conditions. This variant is not present in population databases (ExAC no frequency). This sequence change replaces histidine with proline at codon 605 of the ATM protein (p.His605Pro). The histidine residue is moderately conserved and there is a moderate physicochemical difference between histidine and proline.